The following is an entry in ClinVar:

NM_005228.5(EGFR):c.3163C>T (p.Leu1055=)

Gene: EGFR (epidermal growth factor receptor; plus strand). Cytogenetic location: 7p11.2.
Variant type: single nucleotide variant.
Coding change: c.3163C>T on transcript NM_005228.5 (MANE Select); coding-DNA position 3163, C replaced by T.
Protein change: p.Leu1055=; no amino-acid change (leucine 1055 retained).
Molecular consequence: synonymous variant.
Genome position (GRCh38, 1-based): chr7:55,202,517, C>T. VCF-style: chr7-55202517-C-T. GRCh37 (hg19) VCF-style: chr7-55270210-C-T.
Other names: c.3028C>T, p.Leu1010= (NM_001346897.2, NM_001346899.2); c.3163C>T, p.Leu1055= (NM_001346898.2); c.3004C>T, p.Leu1002= (NM_001346900.2); c.2362C>T, p.Leu788= (NM_001346941.2).
Identifiers: ClinVar variation 1401831 (VCV001401831.8), dbSNP rs2128972991, ClinGen allele CA454969211.

ClinVar aggregate classification (germline): Uncertain significance (1 of 4 stars; one submission).

Conditions:
EGFR-related lung cancer (EGFR). Identifiers: MedGen CN130014.

Submission:

Labcorp Genetics (formerly Invitae), Labcorp
Classification: Uncertain significance for EGFR-related lung cancer. Last evaluated: 2021-01-14. Review status: criteria provided, single submitter. Criteria: Invitae Variant Classification Sherloc (09022015). Collection method: clinical testing. Allele origin: germline.
Comment: In summary, the available evidence is currently insufficient to determine the role of this variant in disease. Therefore, it has been classified as a Variant of Uncertain Significance. Algorithms developed to predict the effect of sequence changes on RNA splicing suggest that this variant is not likely to affect RNA splicing, but this prediction has not been confirmed by published transcriptional studies. This variant has not been reported in the literature in individuals with EGFR-related conditions. This variant is not present in population databases (ExAC no frequency). This sequence change affects codon 1055 of the EGFR mRNA. It is a 'silent' change, meaning that it does not change the encoded amino acid sequence of the EGFR protein. It affects a nucleotide within the consensus splice site of the intron.